The following is an entry in ClinVar:

ClinVar aggregate classification (germline): Likely benign. Review status: criteria provided, multiple submitters, no conflicts (2 of 4 stars). 3 submissions from 3 submitters: Likely benign (3). Last evaluated 2025-04-16.

Conditions:
ERCC8-related disorder. Also called: ERCC8-related condition.

Allele frequency attached by ClinVar (database versions not stated): ExAC 0.00001; gnomAD exomes 0.00004.
gnomAD v4.1: 25 of 1,613,984 alleles (0.0015%); highest among the groups gnomAD compares: Non-Finnish European, 0.0021%; no homozygotes.

Submissions (3):

PreventionGenetics, part of Exact Sciences
Classification: Likely benign for ERCC8-related condition. Last evaluated: 2025-04-16. Review status: criteria provided, single submitter. Criteria: ACMG Guidelines, 2015. Collection method: clinical testing. Allele origin: germline.
Comment: This variant is classified as likely benign based on ACMG/AMP sequence variant interpretation guidelines (Richards et al. 2015 PMID: 25741868, with internal and published modifications).

Blueprint Genetics
Classification: Likely benign. Last evaluated: 2024-11-18. Review status: criteria provided, single submitter. Criteria: ACMG Guidelines, 2015. Collection method: clinical testing. Allele origin: germline.

Labcorp Genetics (formerly Invitae), Labcorp
Classification: Likely benign. Last evaluated: 2024-02-14. Review status: criteria provided, single submitter. Criteria: Invitae Variant Classification Sherloc (09022015). Collection method: clinical testing. Allele origin: germline.

NM_000082.4(ERCC8):c.1089A>C (p.Pro363=)

Gene: ERCC8 (ERCC excision repair 8, CSA ubiquitin ligase complex subunit; minus strand). Cytogenetic location: 5q12.1.
Variant type: single nucleotide variant.
Coding change: c.1089A>C on transcript NM_000082.4 (MANE Select); coding-DNA position 1089, A replaced by C.
Protein change: p.Pro363=; no amino-acid change (proline 363 retained).
Molecular consequence: synonymous variant.
Genome position (GRCh38, 1-based): chr5:60,887,473, T>G on the plus strand (A>C on the coding strand, the complement: ERCC8 is on the minus strand). VCF-style: chr5-60887473-T-G. GRCh37 (hg19) VCF-style: chr5-60183300-T-G.
Other names: c.915A>C, p.Pro305= (NM_001007233.3); c.630A>C, p.Pro210= (NM_001290285.2).
Identifiers: ClinVar variation 747455 (VCV000747455.12), dbSNP rs762230648, ClinGen allele CA3277630.